The following is an entry in ClinVar:

ClinVar aggregate classification (germline): Uncertain significance. Review status: criteria provided, multiple submitters, no conflicts (2 of 4 stars). 2 submissions from 2 submitters: Uncertain significance (2). Last evaluated 2024-07-31.

Conditions:
Holoprosencephaly 12 with or without pancreatic agenesis. Identifiers: MedGen C5193131, MONDO:0032787, OMIM 618500.

Allele frequency attached by ClinVar (database versions not stated): gnomAD exomes below 0.00001.
gnomAD v4.1: 1 of 1,614,206 alleles (0.000062%); highest among the groups gnomAD compares: African/African-American, 0.0013%; no homozygotes.

Submissions (2):

GeneDx
Classification: Uncertain significance. Last evaluated: 2024-07-31. Review status: criteria provided, single submitter. Criteria: GeneDx Variant Classification Process June 2021. Collection method: clinical testing. Allele origin: germline. Affected: yes.
Comment: Not observed at significant frequency in large population cohorts (gnomAD); In silico analysis indicates that this missense variant does not alter protein structure/function; Has not been previously published as pathogenic or benign to our knowledge

Laboratorio de Genetica e Diagnostico Molecular, Hospital Israelita Albert Einstein
Classification: Uncertain significance for Holoprosencephaly 12 with or without pancreatic agenesis. Last evaluated: 2022-08-19. Review status: criteria provided, single submitter. Criteria: ACMG Guidelines, 2015. Collection method: clinical testing. Allele origin: germline. Affected: yes.
Comment: ACMG classification criteria: PM2 moderated, PP2 supporting, BP4 supporting

NM_016284.5(CNOT1):c.4396T>G (p.Ser1466Ala)

Gene: CNOT1 (CCR4-NOT transcription complex subunit 1; minus strand). Cytogenetic location: 16q21.
Variant type: single nucleotide variant.
Coding change: c.4396T>G on transcript NM_016284.5 (MANE Select); coding-DNA position 4396, T replaced by G.
Protein change: p.Ser1466Ala; replaces serine 1466 with alanine.
Molecular consequence: missense variant. On other transcripts: non-coding transcript variant (1).
Genome position (GRCh38, 1-based): chr16:58,543,645, A>C on the plus strand (T>G on the coding strand, the complement: CNOT1 is on the minus strand). VCF-style: chr16-58543645-A-C. GRCh37 (hg19) VCF-style: chr16-58577549-A-C.
Other names: c.4381T>G, p.Ser1461Ala (NM_001265612.2); c.4396T>G, p.Ser1466Ala (NM_206999.3); c.4381T>G (NM_001265612.1); short protein forms S1461A, S1466A.
Identifiers: ClinVar variation 2431824 (VCV002431824.3), dbSNP rs2543899626, ClinGen allele CA396169817.